The following is an entry in ClinVar:

ClinVar aggregate classification (germline): Conflicting classifications of pathogenicity. Review status: criteria provided, conflicting classifications (1 of 4 stars). 5 submissions from 5 submitters: Uncertain significance (4); Likely benign (1). Last evaluated 2025-10-01.

Conditions:
SPTLC1-related disorder. Also called: SPTLC1-related condition.
Inborn genetic diseases. Identifiers: MedGen C0950123, MeSH D030342.
Hereditary sensory and autonomic neuropathy type 1 (HSAN1). Also called: HSAN 1; HSN Type I; Hereditary Sensory Neuropathy Type I. Identifiers: Orphanet 36386, MedGen C0020071, MONDO:0018213.

Allele frequency attached by ClinVar (database versions not stated): gnomAD 0.00005 and 0.00006; gnomAD exomes 0.00008 and 0.00015; ExAC 0.00010; TOPMed 0.00009.

Submissions (5):

GeneDx
Classification: Uncertain significance. Last evaluated: 2025-10-01. Review status: criteria provided, single submitter. Criteria: GeneDx Variant Classification Process June 2021. Collection method: clinical testing. Allele origin: germline. Affected: yes.
Comment: In silico analysis supports that this missense variant has a deleterious effect on protein structure/function; Has not been previously published as pathogenic or benign to our knowledge; This variant is associated with the following publications: (PMID: 20097765, 16364956)

PreventionGenetics, part of Exact Sciences
Classification: Uncertain significance for SPTLC1-related condition. Last evaluated: 2025-09-15. Review status: criteria provided, single submitter. Criteria: ACMG Guidelines, 2015. Collection method: clinical testing. Allele origin: germline.
Comment: The SPTLC1 c.208G>T variant is predicted to result in the amino acid substitution p.Val70Phe. To our knowledge, this variant has not been reported in the literature. This variant is reported in 0.016% of alleles in individuals of European (non-Finnish) descent in gnomAD. Although we suspect that this variant may be benign, at this time, the clinical significance of this variant is uncertain due to the absence of conclusive functional and genetic evidence.

Labcorp Genetics (formerly Invitae), Labcorp
Classification: Uncertain significance for Hereditary sensory and autonomic neuropathy type 1. Last evaluated: 2025-08-29. Review status: criteria provided, single submitter. Criteria: Invitae Variant Classification Sherloc (09022015). Collection method: clinical testing. Allele origin: germline.
Comment: This sequence change replaces valine, which is neutral and non-polar, with phenylalanine, which is neutral and non-polar, at codon 70 of the SPTLC1 protein (p.Val70Phe). This variant is present in population databases (rs764460003, gnomAD 0.01%). This variant has not been reported in the literature in individuals affected with SPTLC1-related conditions. ClinVar contains an entry for this variant (Variation ID: 234709). Invitae Evidence Modeling of protein sequence and biophysical properties (such as structural, functional, and spatial information, amino acid conservation, physicochemical variation, residue mobility, and thermodynamic stability) has been performed for this missense variant. However, the output from this modeling did not meet the statistical confidence thresholds required to predict the impact of this variant on SPTLC1 protein function. In summary, the available evidence is currently insufficient to determine the role of this variant in disease. Therefore, it has been classified as a Variant of Uncertain Significance.

CeGaT Center for Human Genetics Tuebingen
Classification: Uncertain significance. Last evaluated: 2025-08-01. Review status: criteria provided, single submitter. Criteria: CeGaT Center For Human Genetics Tuebingen Variant Classification Criteria Version 2. Collection method: clinical testing. Allele origin: germline. Affected: yes. Observed: 3 variant alleles.

Ambry Genetics
Classification: Likely benign for Inborn genetic diseases. Last evaluated: 2023-03-13. Review status: criteria provided, single submitter. Criteria: Ambry Variant Classification Scheme 2023. Collection method: clinical testing. Allele origin: germline.

NM_006415.4(SPTLC1):c.208G>T (p.Val70Phe)

Gene: SPTLC1 (serine palmitoyltransferase long chain base subunit 1; minus strand). Cytogenetic location: 9q22.31.
Variant type: single nucleotide variant.
Coding change: c.208G>T on transcript NM_006415.4 (MANE Select); coding-DNA position 208, G replaced by T.
Protein change: p.Val70Phe; replaces valine 70 with phenylalanine.
Molecular consequence: missense variant. On other transcripts: 5 prime UTR variant (2).
Genome position (GRCh38, 1-based): chr9:92,108,792, C>A on the plus strand (G>T on the coding strand, the complement: SPTLC1 is on the minus strand). VCF-style: chr9-92108792-C-A. GRCh37 (hg19) VCF-style: chr9-94871074-C-A.
Other names: c.208G>T (LRG_272t1); c.208G>T, p.Val70Phe (NM_001281303.2, NM_178324.3); c.-292G>T (NM_001368272.1); c.-258G>T (NM_001368273.1); short protein forms V70F.
Identifiers: ClinVar variation 234709 (VCV000234709.42), dbSNP rs764460003, ClinGen allele CA5121647.